The following is an entry in ClinVar:

NM_000179.3(MSH6):c.3442G>A (p.Gly1148Ser)

Gene: MSH6 (mutS homolog 6; plus strand). Cytogenetic location: 2p16.3.
Variant type: single nucleotide variant.
Coding change: c.3442G>A on transcript NM_000179.3 (MANE Select); coding-DNA position 3442, G replaced by A.
Protein change: p.Gly1148Ser; replaces glycine 1148 with serine.
Molecular consequence: missense variant.
Genome position (GRCh38, 1-based): chr2:47,804,913, G>A. VCF-style: chr2-47804913-G-A. GRCh37 (hg19) VCF-style: chr2-48032052-G-A.
Other names: c.3052G>A, p.Gly1018Ser (NM_001281492.2); c.2536G>A, p.Gly846Ser (NM_001281493.2, NM_001281494.2); short protein forms G1148S, G1018S, G846S.
Identifiers: ClinVar variation 419014 (VCV000419014.20), dbSNP rs63750257, ClinGen allele CA070946.

ClinVar aggregate classification (germline): Conflicting classifications of pathogenicity. Review status: criteria provided, conflicting classifications (1 of 4 stars). 6 submissions from 6 submitters: Uncertain significance (5); Likely benign (1). Last evaluated 2025-01-21.

Conditions:
Hereditary cancer-predisposing syndrome. Also called: Hereditary neoplastic syndrome; Tumor predisposition; Neoplastic Syndromes, Hereditary; Hereditary Cancer Syndrome. Identifiers: Orphanet 140162, MedGen C0027672, MeSH D009386, MONDO:0015356.
Lynch syndrome. Identifiers: Orphanet 144, MedGen C4552100, MONDO:0005835. Disease mechanism: loss of function.
Hereditary nonpolyposis colorectal neoplasms. Identifiers: MedGen C0009405, MeSH D003123.

Allele frequency attached by ClinVar (database versions not stated): gnomAD exomes below 0.00001; ExAC 0.00001.
gnomAD v4.1: 1 of 1,613,158 alleles (0.000062%); highest among the groups gnomAD compares: Non-Finnish European, 0.000085%; no homozygotes.

Submissions (6):

Labcorp Genetics (formerly Invitae), Labcorp
Classification: Likely benign for Hereditary nonpolyposis colorectal neoplasms. Last evaluated: 2025-01-21. Review status: criteria provided, single submitter. Criteria: Invitae Variant Classification Sherloc (09022015). Collection method: clinical testing. Allele origin: germline.

All of Us Research Program, National Institutes of Health
Classification: Uncertain significance for Lynch syndrome. Last evaluated: 2023-12-13. Review status: criteria provided, single submitter. Criteria: ACMG Guidelines, 2015. Collection method: clinical testing. Allele origin: germline. Inheritance: Autosomal dominant inheritance. Observed: 1 variant allele, 1 heterozygote.
Comment: This missense variant replaces glycine with serine at codon 1148 of the MSH6 protein. Computational prediction suggests that this variant may have deleterious impact on protein structure and function (internally defined REVEL score threshold >= 0.7, PMID: 27666373). To our knowledge, functional studies have not been reported for this variant. This variant has not been reported in individuals affected with MSH6-related disorders in the literature. This variant has been identified in 1/251430 chromosomes in the general population by the Genome Aggregation Database (gnomAD). The available evidence is insufficient to determine the role of this variant in disease conclusively. Therefore, this variant is classified as a Variant of Uncertain Significance.

This study involves interpretation of variants in research participants for the purpose of population health screening. Participant phenotype was not available at the time of variant classification. Additional details can be found in publication PMID: 35346344, PMCID: PMC8962531

Color Diagnostics, LLC DBA Color Health
Classification: Uncertain significance for Hereditary cancer-predisposing syndrome. Last evaluated: 2023-11-16. Review status: criteria provided, single submitter. Criteria: ACMG Guidelines, 2015. Collection method: clinical testing. Allele origin: germline.
Comment: This missense variant replaces glycine with serine at codon 1148 of the MSH6 protein. Computational prediction suggests that this variant may have deleterious impact on protein structure and function (internally defined REVEL score threshold >= 0.7, PMID: 27666373). To our knowledge, functional studies have not been reported for this variant. This variant has not been reported in individuals affected with MSH6-related disorders in the literature. This variant has been identified in 1/251430 chromosomes in the general population by the Genome Aggregation Database (gnomAD). The available evidence is insufficient to determine the role of this variant in disease conclusively. Therefore, this variant is classified as a Variant of Uncertain Significance.

Ambry Genetics
Classification: Uncertain significance for Hereditary cancer-predisposing syndrome. Last evaluated: 2023-07-28. Review status: criteria provided, single submitter. Criteria: Ambry Variant Classification Scheme 2023. Collection method: clinical testing. Allele origin: germline.
Comment: The p.G1148S variant (also known as c.3442G>A), located in coding exon 6 of the MSH6 gene, results from a G to A substitution at nucleotide position 3442. The glycine at codon 1148 is replaced by serine, an amino acid with similar properties. This amino acid position is highly conserved in available vertebrate species. In addition, this alteration is predicted to be deleterious by in silico analysis. Since supporting evidence is limited at this time, the clinical significance of this alteration remains unclear.

University of Washington Department of Laboratory Medicine, University of Washington
Classification: Uncertain significance for Lynch syndrome. Last evaluated: 2018-05-01. Review status: criteria provided, single submitter. Criteria: Shirts BH et al. (Am J Hum Genet 2018). Collection method: clinical testing. Allele origin: somatic. Affected: yes.
Comment: MSH6 NM_000179.2:c.3442G>C has a 93.3% probability of pathogenicity based on combining prior probability from public data with a likelihood ratio of 1.56 to 1, generated from evidence of seeing this as a somatic mutation in a tumor without loss of heterozygosity at the MSH6 locus. See Shirts et al 2018, PMID 29887214.

GeneDx
Classification: Uncertain significance. Last evaluated: 2015-05-18. Review status: criteria provided, single submitter. Criteria: GeneDx Variant Classification (06012015). Collection method: clinical testing. Allele origin: germline. Affected: yes.
Comment: This variant is denoted MSH6 c.3442G>A at the cDNA level, p.Gly1148Ser (G1148S) at the protein level, and results in the change of a Glycine to a Serine (GGC>AGC). This variant has not, to our knowledge, been published in the literature as pathogenic or benign. MSH6 Gly1148Ser was not observed in approximately 6,500 individuals of European and African American ancestry in the NHLBI Exome Sequencing Project, indicating it is not a common benign variant in these populations. Since Glycine and Serine differ in polarity, charge, size or other properties, this is considered a non-conservative amino acid substitution. MSH6 Gly1148Ser occurs at a position that is conserved across species and is located within the ATP-binding motif (Kariola 2002). In silico analyses are inconsistent regarding the effect this variant may have on protein structure and function. Based on currently available information, it is unclear whether MSH6 Gly1148Ser is pathogenic or benign. We consider it to be a variant of uncertain significance.